The following is an entry in ClinVar:

NM_000038.6(APC):c.2626C>T (p.Arg876Ter)

Gene: APC (APC regulator of Wnt signaling pathway; plus strand). Cytogenetic location: 5q22.2.
Variant type: single nucleotide variant.
Coding change: c.2626C>T on transcript NM_000038.6 (MANE Select); coding-DNA position 2626, C replaced by T.
Protein change: p.Arg876Ter; replaces arginine 876 with a stop codon.
Molecular consequence: nonsense.
Genome position (GRCh38, 1-based): chr5:112,838,220, C>T. VCF-style: chr5-112838220-C-T. GRCh37 (hg19) VCF-style: chr5-112173917-C-T.
Other names: c.2626C>T, p.Arg876Ter (NM_001127510.3, NM_001354895.2); c.2572C>T, p.Arg858Ter (NM_001127511.3); c.2680C>T, p.Arg894Ter (NM_001354896.2); c.2656C>T, p.Arg886Ter (NM_001354897.2); c.2551C>T, p.Arg851Ter (NM_001354898.2); c.2542C>T, p.Arg848Ter (NM_001354899.2); c.2503C>T, p.Arg835Ter (NM_001354900.2); c.2449C>T, p.Arg817Ter (NM_001354901.2); and 5 more; short protein forms R858*, R876*, R785*, R894*, R593*, R775*, R848*, R886*.
Identifiers: ClinVar variation 216014 (VCV000216014.49), dbSNP rs121913333, ClinGen allele CA338207.

ClinVar aggregate classification (germline): Pathogenic. Review status: criteria provided, multiple submitters, no conflicts (2 of 4 stars). 18 submissions from 18 submitters: Pathogenic (17). 1 of the submissions does not count toward it. Last evaluated 2025-12-10.
ClinVar aggregate classification (oncogenicity): Oncogenic (1 of 4 stars; one submission).

Conditions:
Familial adenomatous polyposis 1 (FAP1). Also called: FAMILIAL ADENOMATOUS POLYPOSIS 1, ATTENUATED; POLYPOSIS, ADENOMATOUS INTESTINAL. Identifiers: MedGen C2713442, MONDO:0021056, OMIM 175100. Disease mechanism: loss of function.
Carcinoma of colon (CRC). Also called: Colon carcinoma; Colonic carcinoma. Identifiers: MedGen C0699790, MONDO:0002032.
Hereditary cancer-predisposing syndrome. Also called: Neoplastic Syndromes, Hereditary; Hereditary Cancer Syndrome; Tumor predisposition; Hereditary neoplastic syndrome. Identifiers: Orphanet 140162, MedGen C0027672, MeSH D009386, MONDO:0015356.
Familial multiple polyposis syndrome (FAP). Also called: Familial Adenomatous Polyposis (FAP); Familial adenomatous polyposis; Familial intestinal polyposis; Familial polyposis; Classic familial adenomatous polyposis. Identifiers: Orphanet 733, MedGen C0032580, MONDO:0021055. Disease mechanism: loss of function.
Neoplasm. Also called: Neoplasms; Neoplasm (disease); tumor. Identifiers: MedGen C0027651, MeSH D009369, MONDO:0005070, HP:0002664.

Allele frequency attached by ClinVar (database versions not stated): TOPMed below 0.00001.

Submissions 1 to 13 of 19:

Center for Genomic Medicine, Rigshospitalet, Copenhagen University Hospital
Classification: Oncogenic for Neoplasm. Last evaluated: 2026-10-16. Review status: criteria provided, single submitter. Criteria: ClinGen/CGC/VICC Guidelines for Oncogenicity, 2022. Collection method: clinical testing. Allele origin: somatic. Affected: yes.

Department of Clinical Genetics, Copenhagen University Hospital, Rigshospitalet
Classification: Pathogenic for Familial multiple polyposis syndrome. Last evaluated: 2025-12-10. Review status: criteria provided, single submitter. Criteria: ACMG Guidelines, 2015. Collection method: clinical testing. Allele origin: germline.
Comment: The following ACMG criteria has been used: PM2_SUP; PVS1; PP1_SUP; PS4_SUP

Labcorp Genetics (formerly Invitae), Labcorp
Classification: Pathogenic for Familial adenomatous polyposis 1. Last evaluated: 2025-11-25. Review status: criteria provided, single submitter. Criteria: Invitae Variant Classification Sherloc (09022015). Collection method: clinical testing. Allele origin: germline.
Comment: This sequence change creates a premature translational stop signal (p.Arg876*) in the APC gene. While this is not anticipated to result in nonsense mediated decay, it is expected to disrupt the last 1968 amino acid(s) of the APC protein. This variant is not present in population databases (gnomAD no frequency). This premature translational stop signal has been observed in individual(s) with familial adenomatous polyposis (PMID: 8187091, 12581900, 14961559, 17411426, 19029688, 20223039). It has also been observed to segregate with disease in related individuals. ClinVar contains an entry for this variant (Variation ID: 216014). This variant is expected to disrupt the EB1 and HDLG binding sites, which mediate interactions with the cytoskeleton (PMID: 15311282, 17293347). While functional studies have not been performed to directly test the effect on APC protein function, this suggests that disruption of the C-terminal portion of the protein is functionally important. A different truncation (p.Tyr2645Lysfs*14) that lies downstream of this variant has been determined to be pathogenic (PMID: 9824584, 1316610, 27081525, 8381579, 22135120, internal data). This suggests that deletion of this region of the APC protein is causative of disease. For these reasons, this variant has been classified as Pathogenic.

GeneDx
Classification: Pathogenic. Last evaluated: 2025-09-24. Review status: criteria provided, single submitter. Criteria: GeneDx Variant Classification Process June 2021. Collection method: clinical testing. Allele origin: germline. Affected: yes.
Comment: Nonsense variant predicted to result in protein truncation in a gene for which loss-of-function is a known mechanism of disease; Not observed at significant frequency in large population cohorts (gnomAD); This variant is associated with the following publications: (PMID: 33294277, 29367705, 24651453, 25623536, 25025766, 25695693, 25832318, 34897210, 7833931, 18433509, 34655802, 19029688, 20223039, 8187091, 19347965, 12581900, 23159591, 25307848, 20007843, 17653897, 14729851, 27146902, 26446593, 26625971, 17411426, 14961559, 15108288, 10646887, 39096151)

Center for Genomic Medicine, Rigshospitalet, Copenhagen University Hospital
Classification: Pathogenic. Last evaluated: 2025-03-04. Review status: criteria provided, single submitter. Criteria: ACMG Guidelines, 2015. Collection method: clinical testing. Allele origin: germline.

Quest Diagnostics Nichols Institute San Juan Capistrano
Classification: Pathogenic. Last evaluated: 2024-11-16. Review status: criteria provided, single submitter. Criteria: Quest Diagnostics criteria. Collection method: clinical testing. Allele origin: unknown.
Comment: The APC c.2626C>T (p.Arg876*) variant causes the premature termination of APC protein synthesis. This variant has been reported in the published literature in individuals with familial adenomatous polyposis (PMID: 39046601 (2024), 31062380 (2019), 29367705 (2018), 20223039 (2005), 19029688 (2008), 17411426 (2007), 14961559 (2003), 12581900 (2003), 8187091 (1994)). This variant has not been reported in large, multi-ethnic general populations (Genome Aggregation Database). Based on the available information, this variant is classified as pathogenic.

Molecular Pathology, Peter Maccallum Cancer Centre
Classification: Pathogenic for Familial adenomatous polyposis 1. Last evaluated: 2024-07-22. Review status: criteria provided, single submitter. Criteria: ACMG Guidelines, 2015. Collection method: clinical testing. Allele origin: germline. Inheritance: Autosomal dominant inheritance.

Baylor Genetics
Classification: Pathogenic for Familial adenomatous polyposis 1. Last evaluated: 2024-03-28. Review status: criteria provided, single submitter. Criteria: ACMG Guidelines, 2015. Collection method: clinical testing. Allele origin: unknown.

Neuberg Centre For Genomic Medicine, NCGM
Classification: Pathogenic for Familial adenomatous polyposis 1. Last evaluated: 2023-06-22. Review status: criteria provided, single submitter. Criteria: ACMG Guidelines, 2015. Collection method: clinical testing. Allele origin: germline. Inheritance: Autosomal dominant inheritance. Affected: yes.
Comment: The observed stop gained c.2626C>T (p.Arg876Ter) variant in APC gene has been previously reported in multiple individuals and families affected with familial adenomatous polyposis (Friedl and Aretz, 2005; Stekrova et al., 2007; Kanter-Smoler et al., 2008; Ciavarella et al., 2018; Li et al., 2019). It has also been observed to segregate with disease in related individuals. The p.Arg876Ter variant is absent in gnomAD Exomes. This variant has been submitted to the ClinVar database as Likely Pathogenic/ Pathogenic (multiple submissions). Computational evidence (MutationTaster - Disease causing) predicts damaging effect on protein structure and function for this variant. The reference amino acid of p.Arg876Ter in APC is predicted as conserved by GERP++ and PhyloP across 100 vertebrates. This sequence change creates a premature translational stop signal (p.Arg876Ter) in the APC gene. This variant is predicted to cause loss of normal protein function through protein truncation. Loss of function variants in APC gene have been previously reported to be pathogenic (Kanter-Smoler et al., 2008). For these reasons, this variant has been classified as Pathogenic.

Myriad Genetics, Inc.
Classification: Pathogenic for Familial adenomatous polyposis 1. Last evaluated: 2023-05-04. Review status: criteria provided, single submitter. Criteria: Myriad Autosomal Dominant, Autosomal Recessive and X-Linked Classification Criteria (2023). Collection method: clinical testing. Allele origin: unknown.
Comment: This variant is considered pathogenic. This variant creates a termination codon and is predicted to result in premature protein truncation.

Ambry Genetics
Classification: Pathogenic for Hereditary cancer-predisposing syndrome. Last evaluated: 2022-09-22. Review status: criteria provided, single submitter. Criteria: Ambry Variant Classification Scheme 2023. Collection method: clinical testing. Allele origin: germline.
Comment: The p.R876* pathogenic mutation (also known as c.2626C>T), located in coding exon 15 of the APC gene, results from a C to T substitution at nucleotide position 2626. This changes the amino acid from an arginine to a stop codon within coding exon 15. This mutation has been previously reported in multiple individuals with familial adenomatous polyposis (FAP) syndrome (Kerr SE et al. J Mol Diagn, 2013 Jan;15:31-43; Ficari F et al. Br. J. Cancer, 2000 Jan;82:348-53; De Rosa M et al. Hum. Mutat., 2003 Jun;21:655-6; Mihalatos M et al. Cancer Genet. Cytogenet., 2003 Feb;141:65-70; Kanter-Smoler G et al. BMC Med, 2008 Apr;6:10; Lagarde A et al. J. Med. Genet. 2010 Oct;47(10):721-2; Zhang S et al. Gene, 2016 Feb;577:187-92; Ciavarella M et al. Eur. J. Hum. Genet. 2018 03;26(3):387-395). In addition to the clinical data presented in the literature, this alteration is expected to result in loss of function by premature protein truncation. As such, this alteration is interpreted as a disease-causing mutation.

Institute for Clinical Genetics, University Hospital TU Dresden, University Hospital TU Dresden
Classification: Pathogenic. Last evaluated: 2022-03-31. Review status: criteria provided, single submitter. Criteria: ACMG Guidelines, 2015. Collection method: clinical testing. Allele origin: germline.
Comment: PVS1, PS4, PM2_SUP

Laboratorio de Genetica e Diagnostico Molecular, Hospital Israelita Albert Einstein
Classification: Pathogenic for Familial adenomatous polyposis 1. Last evaluated: 2022-02-08. Review status: criteria provided, single submitter. Criteria: ACMG Guidelines, 2015. Collection method: clinical testing. Allele origin: germline. Affected: yes.
Comment: ACMG classification criteria: PVS1 strong, PS4 strong, PM2 moderate